The following is an entry in ClinVar:

NM_000245.4(MET):c.1359T>C (p.Ala453=)

Gene: MET (MET proto-oncogene, receptor tyrosine kinase; plus strand). Cytogenetic location: 7q31.2.
Variant type: single nucleotide variant.
Coding change: c.1359T>C on transcript NM_000245.4 (MANE Select); coding-DNA position 1359, T replaced by C.
Protein change: p.Ala453=; no amino-acid change (alanine 453 retained).
Molecular consequence: synonymous variant.
Genome position (GRCh38, 1-based): chr7:116,731,826, T>C. VCF-style: chr7-116731826-T-C. GRCh37 (hg19) VCF-style: chr7-116371880-T-C.
Other names: c.1359T>C, p.Ala453= (NM_001127500.3, NM_001324401.3); c.69T>C, p.Ala23= (NM_001324402.2).
Identifiers: ClinVar variation 681085 (VCV000681085.15), dbSNP rs755985210, ClinGen allele CA4448137.
Genomic context (GRCh38, chr7:116,731,826, plus strand): 5'-ATTCAGCGAAGTCCTCTTAACATCTATATCCACCTTCATTAAAGGAGACCTCACCATAGC[T>C]AATCTTGGGACATCAGAGGGTCGCTTCATGCAGGTAAGTGCTTTCTGAGAGTAGCTGTGT-3'
Protein context (NP_000236.2, residues 443-463): STFIKGDLTI[Ala453=]NLGTSEGRFM

ClinVar aggregate classification (germline): Benign/Likely benign. Review status: criteria provided, multiple submitters, no conflicts (2 of 4 stars). 4 submissions from 4 submitters: Benign (1); Likely benign (3). Last evaluated 2025-07-25.

Conditions:
Renal cell carcinoma. Identifiers: Orphanet 217071, MedGen C0007134, MeSH D002292, MONDO:0005086, HP:0005584.
Hereditary cancer-predisposing syndrome. Also called: Neoplastic Syndromes, Hereditary; Tumor predisposition; Hereditary neoplastic syndrome; Hereditary Cancer Syndrome. Identifiers: Orphanet 140162, MedGen C0027672, MeSH D009386, MONDO:0015356.
Papillary renal cell carcinoma type 1 (RCCP1). Also called: RENAL CELL CARCINOMA, PAPILLARY, 1, SOMATIC; Renal adenocarcinoma; Renal cell carcinoma 1; Renal cell carcinoma, somatic. Identifiers: Orphanet 47044, MedGen C1336839, OMIM 605074, HP:0011797.

Allele frequency attached by ClinVar (database versions not stated): gnomAD exomes below 0.00001 and 0.00001; ExAC 0.00002; TOPMed 0.00002; gnomAD 0.00004.
gnomAD v4.1: 7 of 1,614,010 alleles (0.00043%); highest among the groups gnomAD compares: African/African-American, 0.0093%; no homozygotes.

Submissions (4):

Labcorp Genetics (formerly Invitae), Labcorp
Classification: Likely benign for Renal cell carcinoma. Last evaluated: 2025-07-25. Review status: criteria provided, single submitter. Criteria: Invitae Variant Classification Sherloc (09022015). Collection method: clinical testing. Allele origin: germline.

Myriad Genetics, Inc.
Classification: Benign for Papillary renal cell carcinoma type 1. Last evaluated: 2024-11-07. Review status: criteria provided, single submitter. Criteria: Myriad Autosomal Dominant, Autosomal Recessive and X-Linked Classification Criteria (2023). Collection method: clinical testing. Allele origin: unknown.
Comment: This variant is considered benign. This variant is a silent/synonymous amino acid change and it is not expected to impact splicing.

Ambry Genetics
Classification: Likely benign for Hereditary cancer-predisposing syndrome. Last evaluated: 2018-11-29. Review status: criteria provided, single submitter. Criteria: Ambry Variant Classification Scheme 2023. Collection method: clinical testing. Allele origin: germline.

GeneDx
Classification: Likely benign. Last evaluated: 2018-03-23. Review status: criteria provided, single submitter. Criteria: GeneDx Variant Classification (06012015). Collection method: clinical testing. Allele origin: germline. Affected: yes.
Comment: This variant is considered likely benign or benign based on one or more of the following criteria: it is a conservative change, it occurs at a poorly conserved position in the protein, it is predicted to be benign by multiple in silico algorithms, and/or has population frequency not consistent with disease.